The following is an entry in ClinVar:

NM_005481.3(MED16):c.1367G>A (p.Arg456His)

Gene: MED16 (mediator complex subunit 16; minus strand). Cytogenetic location: 19p13.3.
Variant type: single nucleotide variant.
Coding change: c.1367G>A on transcript NM_005481.3 (MANE Select); coding-DNA position 1367, G replaced by A.
Protein change: p.Arg456His; replaces arginine 456 with histidine.
Molecular consequence: missense variant.
Genome position (GRCh38, 1-based): chr19:877,167, C>T on the plus strand (G>A on the coding strand, the complement: MED16 is on the minus strand). VCF-style: chr19-877167-C-T. GRCh37 (hg19) VCF-style: chr19-877167-C-T.
Other names: short protein forms R456H.
Identifiers: ClinVar variation 4084666 (VCV004084666.9).

ClinVar aggregate classification (germline): Uncertain significance. Review status: criteria provided, multiple submitters, no conflicts (2 of 4 stars). 2 submissions from 2 submitters: Uncertain significance (2). Last evaluated 2025-07-01.

gnomAD v4.1: 35 of 1,609,620 alleles (0.0022%); highest among the groups gnomAD compares: Non-Finnish European, 0.0028%; no homozygotes.

Submissions (2):

CeGaT Center for Human Genetics Tuebingen
Classification: Uncertain significance. Last evaluated: 2025-07-01. Review status: criteria provided, single submitter. Criteria: CeGaT Center For Human Genetics Tuebingen Variant Classification Criteria Version 2. Collection method: clinical testing. Allele origin: germline. Affected: yes. Observed: 1 variant allele.
Comment: MED16: PM2

Blueprint Genetics
Classification: Uncertain significance. Last evaluated: 2024-02-15. Review status: criteria provided, single submitter. Criteria: ACMG Guidelines, 2015. Collection method: clinical testing. Allele origin: germline.